The following is an entry in ClinVar:

ClinVar aggregate classification (germline): Uncertain significance (1 of 4 stars; one submission).

gnomAD v4.1: 2 of 1,614,076 alleles (0.00012%); highest among the groups gnomAD compares: Non-Finnish European, 0.00017%; no homozygotes.

Submission:

Ambry Genetics
Classification: Uncertain significance. Last evaluated: 2025-08-20. Review status: criteria provided, single submitter. Criteria: Ambry Variant Classification Scheme 2023. Collection method: clinical testing. Allele origin: germline.
Comment: The p.R616T variant (also known as c.1847G>C), located in coding exon 12 of the RINT1 gene, results from a G to C substitution at nucleotide position 1847. The arginine at codon 616 is replaced by threonine, an amino acid with similar properties. This amino acid position is well conserved in available vertebrate species. In addition, this alteration is predicted to be tolerated by in silico analysis. Since supporting evidence is limited at this time, the clinical significance of this alteration remains unclear.

NM_021930.6(RINT1):c.1847G>C (p.Arg616Thr)

Gene: RINT1 (RAD50 interactor 1; plus strand). Cytogenetic location: 7q22.3.
Variant type: single nucleotide variant.
Coding change: c.1847G>C on transcript NM_021930.6 (MANE Select); coding-DNA position 1847, G replaced by C.
Protein change: p.Arg616Thr; replaces arginine 616 with threonine.
Molecular consequence: missense variant. On other transcripts: non-coding transcript variant (1).
Genome position (GRCh38, 1-based): chr7:105,563,908, G>C. VCF-style: chr7-105563908-G-C. GRCh37 (hg19) VCF-style: chr7-105204355-G-C.
Other names: c.1613G>C, p.Arg538Thr (NM_001346599.2); c.824G>C, p.Arg275Thr (NM_001346600.2, NM_001346603.2); c.923G>C, p.Arg308Thr (NM_001346601.2); short protein forms R275T, R308T, R616T, R538T.
Identifiers: ClinVar variation 1781263 (VCV001781263.3), dbSNP rs1179738688, ClinGen allele CA368814173.
Genomic context (GRCh38, chr7:105,563,908, plus strand): 5'-TTAACCTCTTAGAACGTTTAAAGCATGATATGTTGACCCGTCAAGTAGACCACGTTTTTA[G>C]AGAAGTTAAAGATGCTGCAAAATTGTATAAAAAAGAAAGGTATGTCCTCTATGTAAGTCA-3'
Protein context (NP_068749.3, residues 606-626): MLTRQVDHVF[Arg616Thr]EVKDAAKLYK